The following is an entry in ClinVar:

ClinVar aggregate classification (germline): Conflicting classifications of pathogenicity. Review status: criteria provided, conflicting classifications (1 of 4 stars). 2 submissions from 2 submitters: Uncertain significance (1); Likely benign (1). Last evaluated 2023-06-01.

Allele frequency attached by ClinVar (database versions not stated): TOPMed 0.00006; ExAC 0.00009; gnomAD 0.00009; ESP Exome Variant Server 0.00019.
gnomAD v4.1: 142 of 1,207,859 alleles (0.012%); highest among the groups gnomAD compares: South Asian, 0.019%; no homozygotes.

Submissions (2):

CeGaT Center for Human Genetics Tuebingen
Classification: Likely benign. Last evaluated: 2023-06-01. Review status: criteria provided, single submitter. Criteria: CeGaT Center For Human Genetics Tuebingen Variant Classification Criteria Version 2. Collection method: clinical testing. Allele origin: germline. Affected: yes. Observed: 2 variant alleles.
Comment: MAP3K15: BP4, BS2

Ambry Genetics
Classification: Uncertain significance. Last evaluated: 2023-03-24. Review status: criteria provided, single submitter. Criteria: Ambry Variant Classification Scheme 2023. Collection method: clinical testing. Allele origin: germline.

NM_001001671.4(MAP3K15):c.3906G>C (p.Arg1302Ser)

Genes: MAP3K15 (mitogen-activated protein kinase kinase kinase 15; minus strand), PDHA1 (pyruvate dehydrogenase E1 subunit alpha 1; plus strand). Cytogenetic location: Xp22.12.
Variant type: single nucleotide variant.
Coding change: c.3906G>C on transcript NM_001001671.4 (MANE Select); coding-DNA position 3906, G replaced by C.
Protein change: p.Arg1302Ser; replaces arginine 1302 with serine.
Molecular consequence: missense variant. On other transcripts: 3 prime UTR variant (4).
Genome position (GRCh38, 1-based): chrX:19,360,785, C>G on the plus strand (G>C on the coding strand, the complement: MAP3K15 is on the minus strand). VCF-style: chrX-19360785-C-G. GRCh37 (hg19) VCF-style: chrX-19378903-C-G.
Other names: c.*1132C>G (NM_000284.4, NM_001173454.2, NM_001173455.2 and 1 more transcripts); short protein forms R1302S.
Identifiers: ClinVar variation 2525337 (VCV002525337.29), dbSNP rs145675672, ClinGen allele CA10363285.